The following is an entry in ClinVar:

NM_004974.4(KCNA2):c.1466A>G (p.Tyr489Cys)

Gene: KCNA2 (potassium voltage-gated channel subfamily A member 2; minus strand). Cytogenetic location: 1p13.3.
Variant type: single nucleotide variant.
Coding change: c.1466A>G on transcript NM_004974.4 (MANE Select); coding-DNA position 1466, A replaced by G.
Protein change: p.Tyr489Cys; replaces tyrosine 489 with cysteine.
Molecular consequence: missense variant. On other transcripts: intron variant (1).
Genome position (GRCh38, 1-based): chr1:110,603,317, T>C on the plus strand (A>G on the coding strand, the complement: KCNA2 is on the minus strand). VCF-style: chr1-110603317-T-C. GRCh37 (hg19) VCF-style: chr1-111145939-T-C.
Other names: c.894+572A>G (NM_001204269.2); short protein forms Y489C.
Identifiers: ClinVar variation 999752 (VCV000999752.9), dbSNP rs149776127, ClinGen allele CA1000621.

ClinVar aggregate classification (germline): Uncertain significance (1 of 4 stars; one submission).

Conditions:
Developmental and epileptic encephalopathy, 32 (DEE32). Also called: Epileptic encephalopathy, early infantile, 32. Identifiers: Orphanet 442835, MedGen C4225350, MONDO:0014607, OMIM 616366.

Allele frequency attached by ClinVar (database versions not stated): gnomAD exomes below 0.00001 and 0.00002; ExAC 0.00001; gnomAD 0.00001; TOPMed 0.00003; ESP Exome Variant Server 0.00008.
gnomAD v4.1: 33 of 1,610,560 alleles (0.002%); highest among the groups gnomAD compares: East Asian, 0.0045%; no homozygotes.

Submission:

Labcorp Genetics (formerly Invitae), Labcorp
Classification: Uncertain significance for Developmental and epileptic encephalopathy, 32. Last evaluated: 2020-03-18. Review status: criteria provided, single submitter. Criteria: Invitae Variant Classification Sherloc (09022015). Collection method: clinical testing. Allele origin: germline.
Comment: This variant has not been reported in the literature in individuals with KCNA2-related conditions. In summary, the available evidence is currently insufficient to determine the role of this variant in disease. Therefore, it has been classified as a Variant of Uncertain Significance. Algorithms developed to predict the effect of missense changes on protein structure and function (SIFT, PolyPhen-2, Align-GVGD) all suggest that this variant is likely to be tolerated, but these predictions have not been confirmed by published functional studies and their clinical significance is uncertain. This variant is present in population databases (rs149776127, ExAC 0.002%). This sequence change replaces tyrosine with cysteine at codon 489 of the KCNA2 protein (p.Tyr489Cys). The tyrosine residue is highly conserved and there is a large physicochemical difference between tyrosine and cysteine.